The following is an entry in ClinVar:

NM_000382.3(ALDH3A2):c.1363C>T (p.Leu455Phe)

Gene: ALDH3A2 (aldehyde dehydrogenase 3 family member A2; plus strand). Cytogenetic location: 17p11.2.
Variant type: single nucleotide variant.
Coding change: c.1363C>T on transcript NM_000382.3 (MANE Select); coding-DNA position 1363, C replaced by T.
Protein change: p.Leu455Phe; replaces leucine 455 with phenylalanine.
Molecular consequence: missense variant. On other transcripts: intron variant (1).
Genome position (GRCh38, 1-based): chr17:19,671,876, C>T. VCF-style: chr17-19671876-C-T. GRCh37 (hg19) VCF-style: chr17-19575189-C-T.
Other names: c.1363C>T, p.Leu455Phe (NM_001031806.2, NM_001369136.1, NM_001369137.2 and 2 more transcripts); c.784C>T, p.Leu262Phe (NM_001369148.2); c.1208-3682C>T (NM_001369146.2); short protein forms L262F, L455F.
Identifiers: ClinVar variation 4808104 (VCV004808104.1).

ClinVar aggregate classification (germline): Uncertain significance (1 of 4 stars; one submission).

gnomAD v4.1: 1 of 1,614,188 alleles (0.000062%); highest among the groups gnomAD compares: East Asian, 0.0022%; no homozygotes.

Submission:

Labcorp Genetics (formerly Invitae), Labcorp
Classification: Uncertain significance. Last evaluated: 2026-02-01. Review status: criteria provided, single submitter. Criteria: Invitae Variant Classification Sherloc (09022015). Collection method: clinical testing. Allele origin: germline.
Comment: This sequence change replaces leucine, which is neutral and non-polar, with phenylalanine, which is neutral and non-polar, at codon 455 of the ALDH3A2 protein (p.Leu455Phe). This variant is present in population databases (no rsID available, gnomAD 0.006%). This variant has not been reported in the literature in individuals affected with ALDH3A2-related conditions. An algorithm developed to predict the effect of missense changes on protein structure and function outputs the following: PolyPhen-2: "Benign". The phenylalanine amino acid residue is found in multiple mammalian species, which suggests that this missense change does not adversely affect protein function. In summary, the available evidence is currently insufficient to determine the role of this variant in disease. Therefore, it has been classified as a Variant of Uncertain Significance.